The following is an entry in ClinVar:

ClinVar aggregate classification (germline): Uncertain significance. Review status: criteria provided, multiple submitters, no conflicts (2 of 4 stars). 3 submissions from 3 submitters: Uncertain significance (3). Last evaluated 2025-03-18.

Conditions:
Cardiovascular phenotype. Identifiers: MedGen CN230736.
Walker-Warburg congenital muscular dystrophy. Also called: Muscular dystrophy-dystroglycanopathy, type A; Walker-Warburg syndrome. Identifiers: Orphanet 899, MedGen C0265221, MONDO:0000171.
FKTN-related disorder. Also called: FKTN-related condition; FKTN-related disorders.

Allele frequency attached by ClinVar (database versions not stated): gnomAD exomes 0.00001 and below 0.00001; TOPMed 0.00001; ESP Exome Variant Server 0.00008; ExAC 0.00001.
gnomAD v4.1: 7 of 1,613,078 alleles (0.00043%); highest among the groups gnomAD compares: African/African-American, 0.0093%; no homozygotes.

Submissions (3):

PreventionGenetics, part of Exact Sciences
Classification: Uncertain significance for FKTN-related condition. Last evaluated: 2025-03-18. Review status: criteria provided, single submitter. Criteria: ACMG Guidelines, 2015. Collection method: clinical testing. Allele origin: germline.
Comment: The FKTN c.1119A>C variant is predicted to result in the amino acid substitution p.Glu373Asp. To our knowledge, this variant has not been reported in the literature. This variant is reported in 0.0062% of alleles in individuals of African descent in gnomAD. At this time, the clinical significance of this variant is uncertain due to the absence of conclusive functional and genetic evidence.

Ambry Genetics
Classification: Uncertain significance for Cardiovascular phenotype. Last evaluated: 2023-11-17. Review status: criteria provided, single submitter. Criteria: Ambry Variant Classification Scheme 2023. Collection method: clinical testing. Allele origin: germline.
Comment: The p.E373D variant (also known as c.1119A>C), located in coding exon 8 of the FKTN gene, results from an A to C substitution at nucleotide position 1119. The glutamic acid at codon 373 is replaced by aspartic acid, an amino acid with highly similar properties. This amino acid position is well conserved in available vertebrate species; however, aspartic acid is the reference amino acid in other vertebrate species. In addition, this alteration is predicted to be tolerated by in silico analysis. Since supporting evidence is limited at this time, the clinical significance of this alteration remains unclear.

Labcorp Genetics (formerly Invitae), Labcorp
Classification: Uncertain significance for Walker-Warburg congenital muscular dystrophy. Last evaluated: 2021-09-29. Review status: criteria provided, single submitter. Criteria: Invitae Variant Classification Sherloc (09022015). Collection method: clinical testing. Allele origin: germline.
Comment: This sequence change replaces glutamic acid with aspartic acid at codon 373 of the FKTN protein (p.Glu373Asp). The glutamic acid residue is highly conserved and there is a small physicochemical difference between glutamic acid and aspartic acid. This variant is present in population databases (rs371776972, ExAC 0.01%). This variant has not been reported in the literature in individuals with FKTN-related conditions. Algorithms developed to predict the effect of missense changes on protein structure and function (SIFT, PolyPhen-2, Align-GVGD) all suggest that this variant is likely to be tolerated, but these predictions have not been confirmed by published functional studies and their clinical significance is uncertain. In summary, the available evidence is currently insufficient to determine the role of this variant in disease. Therefore, it has been classified as a Variant of Uncertain Significance.

NM_001079802.2(FKTN):c.1119A>C (p.Glu373Asp)

Gene: FKTN (fukutin; plus strand). Cytogenetic location: 9q31.2.
Variant type: single nucleotide variant.
Coding change: c.1119A>C on transcript NM_001079802.2 (MANE Select); coding-DNA position 1119, A replaced by C.
Protein change: p.Glu373Asp; replaces glutamic acid 373 with aspartic acid.
Molecular consequence: missense variant. On other transcripts: non-coding transcript variant (2).
Genome position (GRCh38, 1-based): chr9:105,620,008, A>C. VCF-style: chr9-105620008-A-C. GRCh37 (hg19) VCF-style: chr9-108382289-A-C.
Other names: c.1119A>C, p.Glu373Asp (NM_001198963.2, NM_001351496.2, NM_001351498.2 and 1 more transcripts); c.1050A>C, p.Glu350Asp (NM_001351497.2); c.723A>C, p.Glu241Asp (NM_001351499.2, NM_001351500.2, NM_001351501.2 and 1 more transcripts); short protein forms E241D, E373D, E350D.
Identifiers: ClinVar variation 1348755 (VCV001348755.6), dbSNP rs371776972, ClinGen allele CA5170573.